The following is an entry in ClinVar:

Conditions:
Long QT syndrome 5 (LQT5). Identifiers: Orphanet 101016, Orphanet 768, MedGen C1867904, MONDO:0013372, OMIM 613695.

Submission:

Roden Lab, Vanderbilt University Medical Center
No classification provided (evidence only). Condition: Long QT syndrome 5. Review status: no classification provided. Collection method: in vitro. Allele origin: not applicable. Functional consequence: Effect on ion channel function.
ClinVar note: "not provided" was previously submitted as the classification for the variant. However, the classification appeared to be based only on an observation of functional data so it was converted to no classification on 2025-07-30.

NM_000219.6(KCNE1):c.229C>G (p.Pro77Ala)

Gene: KCNE1 (potassium voltage-gated channel subfamily E regulatory subunit 1; minus strand). Cytogenetic location: 21q22.12.
Variant type: single nucleotide variant.
Coding change: c.229C>G on transcript NM_000219.6 (MANE Select); coding-DNA position 229, C replaced by G.
Protein change: p.Pro77Ala; replaces proline 77 with alanine.
Molecular consequence: missense variant.
Genome position (GRCh38, 1-based): chr21:34,449,406, G>C on the plus strand (C>G on the coding strand, the complement: KCNE1 is on the minus strand). VCF-style: chr21-34449406-G-C. GRCh37 (hg19) VCF-style: chr21-35821704-G-C.
Other names: c.229C>G, p.Pro77Ala (NM_001127668.4, NM_001127669.4, NM_001127670.4 and 4 more transcripts); short protein forms P77A.
Identifiers: ClinVar variation 3374382 (VCV003374382.2).